The following is an entry in ClinVar:

NM_000488.4(SERPINC1):c.-11G>A

Gene: SERPINC1 (serpin family C member 1; minus strand). Cytogenetic location: 1q25.1.
Variant type: single nucleotide variant.
Coding change: c.-11G>A on transcript NM_000488.4 (MANE Select); 11 bases upstream of the start codon, G replaced by A.
Molecular consequence: 5 prime UTR variant.
Genome position (GRCh38, 1-based): chr1:173,917,270, C>T on the plus strand (G>A on the coding strand, the complement: SERPINC1 is on the minus strand). VCF-style: chr1-173917270-C-T. GRCh37 (hg19) VCF-style: chr1-173886408-C-T.
Other names: c.-324G>A (NM_001365052.2); c.-11G>A (NM_001386302.1, NM_001386303.1, NM_001386304.1 and 2 more transcripts).
Identifiers: ClinVar variation 100921 (VCV000100921.1), dbSNP rs483352843, ClinGen allele CA150665.
Genomic context (GRCh38, chr1:173,917,270, plus strand): 5'-CCCTCTTACCTTTTTCCAGAGGTTACAGTTCCTATCACATTGGAATACATGGCCGCTAAT[C>T]TTCCACAGGGCTGGGCAAGTGGAGATAGTGTGATCTGAGGCAATCCGCCTGAAAACTGGT-3'

ClinVar aggregate classification (germline): not provided (0 of 4 stars; one submission).

Conditions:
Tuberous sclerosis 2 (TSC2). Identifiers: Orphanet 805, MedGen C1860707, MONDO:0013199, OMIM 613254.

Allele frequency attached by ClinVar (database versions not stated): gnomAD exomes 0.00003 and 0.00014; gnomAD 0.00005 and 0.00007; TOPMed 0.00009; ExAC 0.00013; 1000 Genomes Project 30x 0.00031; 1000 Genomes Project 0.00040.
gnomAD v4.1: 53 of 1,613,868 alleles (0.0033%); highest among the groups gnomAD compares: East Asian, 0.11%; 1 homozygote.

Submission:

Hubei Clinical and Research Center of Thrombosis and Hemostasis Institute of Hematology, Union Hospital
No classification provided. Review status: no classification provided. Collection method: not provided. Allele origin: not provided.
Comment: test comment 1